The following is an entry in ClinVar:

ClinVar aggregate classification (germline): Uncertain significance (1 of 4 stars; one submission).

Conditions:
Short stature due to growth hormone secretagogue receptor deficiency (GHDP). Also called: Short stature due to GHSR deficiency. Identifiers: Orphanet 314811, MedGen C5887324, MONDO:0014403, OMIM 615925.

gnomAD v4.1: 7 of 1,612,550 alleles (0.00043%); highest among the groups gnomAD compares: South Asian, 0.0011%; no homozygotes.

Submission:

Clinical Genomics Laboratory, Washington University in St. Louis
Classification: Uncertain significance for Short stature due to growth hormone secretagogue receptor deficiency. Last evaluated: 2025-12-05. Review status: criteria provided, single submitter. Criteria: ACMG Guidelines, 2015. Collection method: clinical testing. Allele origin: germline.
Comment: The GHSR c.131C>A (p.Ala44Glu ) variant, to our knowledge, has not been reported in the medical literature. This variant is absent from the general population (gnomAD v.2.1.1), indicating it is not a common variant. Computational predictors suggest that the variant does not impact GHSR function. Due to limited information, and based on ACMG/AMP guidelines for variant interpretation (Richards S et al., PMID: 25741868), the clinical significance of this variant is uncertain at this time.

NM_198407.2(GHSR):c.131C>A (p.Ala44Glu)

Gene: GHSR (growth hormone secretagogue receptor; minus strand). Cytogenetic location: 3q26.31.
Variant type: single nucleotide variant.
Coding change: c.131C>A on transcript NM_198407.2 (MANE Select); coding-DNA position 131, C replaced by A.
Protein change: p.Ala44Glu; replaces alanine 44 with glutamic acid.
Molecular consequence: missense variant.
Genome position (GRCh38, 1-based): chr3:172,448,283, G>T on the plus strand (C>A on the coding strand, the complement: GHSR is on the minus strand). VCF-style: chr3-172448283-G-T. GRCh37 (hg19) VCF-style: chr3-172166073-G-T.
Other names: c.131C>A, p.Ala44Glu (NM_004122.2); short protein forms A44E.
Identifiers: ClinVar variation 4879314 (VCV004879314.1).
Genomic context (GRCh38, chr3:172,448,283, plus strand): 5'-GTGAGCAGGTTGCCAGCGATGCCCACCACGAAGAGTGCCACGCAGGTGGCTGTGACGCCC[G>T]CCAGCAGCGGCGCGGGGAAGAGCTGCAGCAGCTCGTCGCCCAGCGAGTCGTTGCCGGGGG-3'
Protein context (NP_940799.1, residues 34-54): LLQLFPAPLL[Ala44Glu]GVTATCVALF